The following is an entry in ClinVar:

NM_002447.4(MST1R):c.2333A>C (p.Asn778Thr)

Gene: MST1R (macrophage stimulating 1 receptor; minus strand). Cytogenetic location: 3p21.31.
Variant type: single nucleotide variant.
Coding change: c.2333A>C on transcript NM_002447.4 (MANE Select); coding-DNA position 2333, A replaced by C.
Protein change: p.Asn778Thr; replaces asparagine 778 with threonine.
Molecular consequence: missense variant. On other transcripts: non-coding transcript variant (1).
Genome position (GRCh38, 1-based): chr3:49,896,741, T>G on the plus strand (A>C on the coding strand, the complement: MST1R is on the minus strand). VCF-style: chr3-49896741-T-G. GRCh37 (hg19) VCF-style: chr3-49934174-T-G.
Other names: c.2333A>C, p.Asn778Thr (NM_001244937.3); c.2015A>C, p.Asn672Thr (NM_001318913.2); short protein forms N672T, N778T.
Identifiers: ClinVar variation 3035698 (VCV003035698.2), dbSNP rs149428633, ClinGen allele CA2408947.
Genomic context (GRCh38, chr3:49,896,741, plus strand): 5'-GCTCTCTCATTCCCCAGAGGCCAGAGTGGGCAAAGAGGCAGTGCTTACATGTAGCCACAG[T>G]TGGGGCTGATGCTTAGCACGACAGGGTCTTCTCTGTACTGGAAGGTCCAGGAACCAGGTA-3'
Protein context (NP_002438.2, residues 768-788): EDPVVLSISP[Asn778Thr]CGYINSHITI

ClinVar aggregate classification (germline): Likely benign (0 of 4 stars; one submission).

Conditions:
MST1R-related disorder. Also called: MST1R-related condition.

Allele frequency attached by ClinVar (database versions not stated): 1000 Genomes Project 30x 0.00031; 1000 Genomes Project 0.00040; ESP Exome Variant Server 0.00100.
gnomAD v4.1: 2,102 of 1,593,204 alleles (0.13%); highest among the groups gnomAD compares: Non-Finnish European, 0.16%; 5 homozygotes.

Submission:

PreventionGenetics, part of Exact Sciences
Classification: Likely benign for MST1R-related condition. Last evaluated: 2020-10-12. Review status: no assertion criteria provided. Collection method: clinical testing. Allele origin: germline.
Comment: This variant is classified as likely benign based on ACMG/AMP sequence variant interpretation guidelines (Richards et al. 2015 PMID: 25741868, with internal and published modifications).